The following is an entry in ClinVar:

NM_001039469.3(MARK2):c.1444C>T (p.Arg482Ter)

Gene: MARK2 (microtubule affinity regulating kinase 2; plus strand). Cytogenetic location: 11q13.1.
Variant type: single nucleotide variant.
Coding change: c.1444C>T on transcript NM_001039469.3 (MANE Select); coding-DNA position 1444, C replaced by T.
Protein change: p.Arg482Ter; replaces arginine 482 with a stop codon.
Molecular consequence: nonsense.
Genome position (GRCh38, 1-based): chr11:63,903,088, C>T. VCF-style: chr11-63903088-C-T. GRCh37 (hg19) VCF-style: chr11-63670560-C-T.
Other names: c.1444C>T (NM_001039469.2); c.1444C>T, p.Arg482Ter (NM_001163296.2); c.1441C>T, p.Arg481Ter (NM_001163297.2, NM_004954.5); c.1342C>T, p.Arg448Ter (NM_017490.4); short protein forms R448*, R481*, R482*.
Identifiers: ClinVar variation 4820615 (VCV004820615.2).

ClinVar aggregate classification (germline): Uncertain significance. Review status: criteria provided, multiple submitters, no conflicts (2 of 4 stars). 2 submissions from 2 submitters: Uncertain significance (2). Last evaluated 2026-04-22.

Conditions:
Paediatric disorders.

Submissions (2):

NHS Central & South Genomic Laboratory Hub
Classification: Uncertain significance for Paediatric disorders. Last evaluated: 2026-04-22. Review status: criteria provided, single submitter. Criteria: ACMG Guidelines, 2015. Collection method: clinical testing. Allele origin: germline. Affected: yes.

GeneDx
Classification: Uncertain significance. Last evaluated: 2026-01-29. Review status: criteria provided, single submitter. Criteria: GeneDx Variant Classification Process June 2021. Collection method: clinical testing. Allele origin: germline.
Comment: Nonsense variant predicted to result in protein truncation or nonsense mediated decay in a gene for which loss of function is a known mechanism of disease; Has not been previously published as pathogenic or benign to our knowledge